The following is an entry in ClinVar:

ClinVar aggregate classification (germline): Uncertain significance (0 of 4 stars; one submission).

Conditions:
PLXNA2-related disorder. Also called: PLXNA2-related condition.

Submission:

PreventionGenetics, part of Exact Sciences
Classification: Uncertain significance for PLXNA2-related condition. Last evaluated: 2024-08-22. Review status: no assertion criteria provided. Collection method: clinical testing. Allele origin: germline.
Comment: The PLXNA2 c.5356G>A variant is predicted to result in the amino acid substitution p.Glu1786Lys. To our knowledge, this variant has not been reported in the literature or in a large population database, indicating this variant is rare. At this time, the clinical significance of this variant is uncertain due to the absence of conclusive functional and genetic evidence.

NM_025179.4(PLXNA2):c.5356G>A (p.Glu1786Lys)

Gene: PLXNA2 (plexin A2; minus strand). Cytogenetic location: 1q32.2.
Variant type: single nucleotide variant.
Coding change: c.5356G>A on transcript NM_025179.4 (MANE Select); coding-DNA position 5356, G replaced by A.
Protein change: p.Glu1786Lys; replaces glutamic acid 1786 with lysine.
Molecular consequence: missense variant.
Genome position (GRCh38, 1-based): chr1:208,028,912, C>T on the plus strand (G>A on the coding strand, the complement: PLXNA2 is on the minus strand). VCF-style: chr1-208028912-C-T. GRCh37 (hg19) VCF-style: chr1-208202257-C-T.
Other names: short protein forms E1786K.
Identifiers: ClinVar variation 3354253 (VCV003354253.1).